The following is an entry in ClinVar:

ClinVar aggregate classification (germline): Uncertain significance (1 of 4 stars; one submission).

Conditions:
Early-infantile DEE. Also called: Ohtahara syndrome; Early infantile epileptic encephalopathy with suppression bursts; Early infantile epileptic encephalopathy. Identifiers: Orphanet 1934, MedGen C0393706, MONDO:0800491.

Allele frequency attached by ClinVar (database versions not stated): TOPMed below 0.00001.

Submission:

Labcorp Genetics (formerly Invitae), Labcorp
Classification: Uncertain significance for Early-infantile DEE. Last evaluated: 2022-02-20. Review status: criteria provided, single submitter. Criteria: Invitae Variant Classification Sherloc (09022015). Collection method: clinical testing. Allele origin: germline.
Comment: In summary, the available evidence is currently insufficient to determine the role of this variant in disease. Therefore, it has been classified as a Variant of Uncertain Significance. Algorithms developed to predict the effect of missense changes on protein structure and function are either unavailable or do not agree on the potential impact of this missense change (SIFT: "Deleterious"; PolyPhen-2: "Benign"; Align-GVGD: "Class C0"). This variant has not been reported in the literature in individuals affected with SCN8A-related conditions. This variant is not present in population databases (gnomAD no frequency). This sequence change replaces serine, which is neutral and polar, with proline, which is neutral and non-polar, at codon 132 of the SCN8A protein (p.Ser132Pro).

NM_001330260.2(SCN8A):c.394T>C (p.Ser132Pro)

Gene: SCN8A (sodium voltage-gated channel alpha subunit 8; plus strand). Cytogenetic location: 12q13.13.
Variant type: single nucleotide variant.
Coding change: c.394T>C on transcript NM_001330260.2 (MANE Select); coding-DNA position 394, T replaced by C.
Protein change: p.Ser132Pro; replaces serine 132 with proline.
Molecular consequence: missense variant.
Genome position (GRCh38, 1-based): chr12:51,684,291, T>C. VCF-style: chr12-51684291-T-C. GRCh37 (hg19) VCF-style: chr12-52078075-T-C.
Other names: c.394T>C, p.Ser132Pro (NM_001177984.3, NM_001369788.1, NM_014191.4); short protein forms S132P.
Identifiers: ClinVar variation 1958781 (VCV001958781.5), dbSNP rs1449264729, ClinGen allele CA385221391.